The following is an entry in ClinVar:

ClinVar aggregate classification (germline): Pathogenic (1 of 4 stars; one submission).

Conditions:
Hereditary spastic paraplegia. Also called: Familial spastic paraparesis. Identifiers: Orphanet 685, MedGen C0037773, MONDO:0019064. Disease mechanism: loss of function.

Submission:

Women's Health and Genetics/Laboratory Corporation of America, LabCorp
Classification: Pathogenic for Hereditary spastic paraplegia. Last evaluated: 2024-01-13. Review status: criteria provided, single submitter. Criteria: LabCorp Variant Classification Summary - May 2015. Collection method: clinical testing. Allele origin: germline.
Comment: Variant summary: SPG11 c.2339delA (p.Asn780IlefsX11) results in a premature termination codon, predicted to cause absence of the protein due to nonsense mediated decay, which is a commonly known mechanism for disease. The variant allele was found at a frequency of 4.3e-06 in 235076 control chromosomes. To our knowledge, no occurrence of c.2339delA in individuals affected with Hereditary Spastic Paraplegia, Type 11 and no experimental evidence demonstrating its impact on protein function have been reported. No submitters have cited clinical-significance assessments for this variant to ClinVar. Based on the evidence outlined above, the variant was classified as pathogenic.

NM_025137.4(SPG11):c.2339del (p.Asn780fs)

Gene: SPG11 (SPG11 vesicle trafficking associated, spatacsin; minus strand). Cytogenetic location: 15q21.1.
Variant type: Deletion.
Coding change: c.2339del on transcript NM_025137.4 (MANE Select); coding-DNA position 2339, one base deleted (A; older notation c.2339delA).
Protein change: p.Asn780fs; shifts the reading frame from asparagine 780.
Molecular consequence: frameshift variant.
Genome position (GRCh38, 1-based): chr15:44,622,325, T deleted on the plus strand (A on the coding strand, the reverse complement: SPG11 is on the minus strand); the first of 7 consecutive T bases (chr15:44,622,325-44,622,331); deleting any one gives the same sequence. VCF-style (leftmost placement, unchanged base first): chr15-44622324-AT-A. GRCh37 (hg19) VCF-style: chr15-44914522-AT-A.
Other names: c.2339del, p.Asn780fs (NM_001160227.2, NM_001411132.1); c.2339delA (NM_025137.4); short protein forms N780fs.
Identifiers: ClinVar variation 3063904 (VCV003063904.1), dbSNP rs1454768655, ClinGen allele CA617673785.
Genomic context (GRCh38, chr15:44,622,324, plus strand): 5'-ATAAAGCTTCTCAACTTGATGCACGAAGTCTATAGTTCTTTTCTCTTTTTCAGAAAAATA[AT>A]TTTTTTCTTTTAAAATTTCAACCTTGAATAAAAAGTAATTAAAGCAGTGACTTTACAAAA-3'